The following is an entry in ClinVar:

NM_002386.4(MC1R):c.158TGG[1] (p.Val54del)

Gene: MC1R (melanocortin 1 receptor; plus strand). Cytogenetic location: 16q24.3.
Variant type: Microsatellite.
Coding change: c.158TGG[1] on transcript NM_002386.4 (MANE Select); one copy of the 3-base unit TGG starting at c.158; the reference has two copies in a row; one copy, 3 bases deleted.
Protein change: p.Val54del; deletes valine 54.
Molecular consequence: inframe deletion.
Genome position (GRCh38, 1-based): chr16:89,919,419-89,919,421, TGG deleted; deleting any 3 consecutive bases within chr16:89,919,416-89,919,421 gives the same sequence; the position shown is the placement nearest the transcript's 3' end. VCF-style (leftmost placement, unchanged base first): chr16-89919415-TTGG-T. GRCh37 (hg19) VCF-style: chr16-89985823-TTGG-T.
Other names: short protein forms V54del.
Identifiers: ClinVar variation 2970169 (VCV002970169.3), dbSNP rs779655156, ClinGen allele CA8255504.
Genomic context (GRCh38, chr16:89,919,415, plus strand): 5'-GCCCGGTGCCTGGAGGTGTCCATCTCTGACGGGCTCTTCCTCAGCCTGGGGCTGGTGAGC[TTGG>T]TGGAGAACGCGCTGGTGGTGGCCACCATCGCCAAGAACCGGAACCTGCACTCACCCATGT-3'

ClinVar aggregate classification (germline): Uncertain significance (1 of 4 stars; one submission).

Conditions:
Melanoma, cutaneous malignant, susceptibility to, 5. Also called: Cutaneous malignant melanoma 5. Identifiers: Orphanet 618, MedGen C2751295, MONDO:0013133, OMIM 613099.

Submission:

Labcorp Genetics (formerly Invitae), Labcorp
Classification: Uncertain significance for Melanoma, cutaneous malignant, susceptibility to, 5. Last evaluated: 2025-10-21. Review status: criteria provided, single submitter. Criteria: Invitae Variant Classification Sherloc (09022015). Collection method: clinical testing. Allele origin: germline.
Comment: This variant, c.161_163del, results in the deletion of 1 amino acid(s) of the MC1R protein (p.Val54del), but otherwise preserves the integrity of the reading frame. This variant is present in population databases (rs779655156, gnomAD 0.004%). This variant has not been reported in the literature in individuals affected with MC1R-related conditions. Experimental studies and prediction algorithms are not available or were not evaluated, and the functional significance of this variant is currently unknown. In summary, the available evidence is currently insufficient to determine the role of this variant in disease. Therefore, it has been classified as a Variant of Uncertain Significance.